The following is an entry in ClinVar:

ClinVar aggregate classification (germline): Likely benign (1 of 4 stars; one submission).

Conditions:
KISS1R-related disorder. Also called: KISS1R-related condition.

gnomAD v4.1: 11 of 1,283,396 alleles (0.00086%); highest among the groups gnomAD compares: Middle Eastern, 0.14%; 1 homozygote.

Submission:

PreventionGenetics, part of Exact Sciences
Classification: Likely benign for KISS1R-related condition. Last evaluated: 2025-01-07. Review status: criteria provided, single submitter. Criteria: ACMG Guidelines, 2015. Collection method: clinical testing. Allele origin: germline.
Comment: This variant is classified as likely benign based on ACMG/AMP sequence variant interpretation guidelines (Richards et al. 2015 PMID: 25741868, with internal and published modifications).

NM_032551.5(KISS1R):c.1196G>A (p.Ter399=)

Gene: KISS1R (KISS1 receptor; plus strand). Cytogenetic location: 19p13.3.
Variant type: single nucleotide variant.
Coding change: c.1196G>A on transcript NM_032551.5 (MANE Select); coding-DNA position 1196, G replaced by A.
Protein change: p.Ter399=.
Molecular consequence: synonymous variant.
Genome position (GRCh38, 1-based): chr19:920,747, G>A. VCF-style: chr19-920747-G-A. GRCh37 (hg19) VCF-style: chr19-920747-G-A.
Identifiers: ClinVar variation 4980736 (VCV004980736.1).